The following is an entry in ClinVar:

ClinVar aggregate classification (germline): Uncertain significance (1 of 4 stars; one submission).

Conditions:
Juvenile polyposis syndrome (JPS). Identifiers: Orphanet 2929, MedGen C0345893, MONDO:0017380, OMIM 174900.

Submission:

Labcorp Genetics (formerly Invitae), Labcorp
Classification: Uncertain significance for Juvenile polyposis syndrome. Last evaluated: 2024-04-29. Review status: criteria provided, single submitter. Criteria: Invitae Variant Classification Sherloc (09022015). Collection method: clinical testing. Allele origin: germline.
Comment: This sequence change replaces lysine, which is basic and polar, with glutamine, which is neutral and polar, at codon 177 of the BMPR1A protein (p.Lys177Gln). This variant is not present in population databases (gnomAD no frequency). This variant has not been reported in the literature in individuals affected with BMPR1A-related conditions. An algorithm developed to predict the effect of missense changes on protein structure and function (PolyPhen-2) suggests that this variant is likely to be tolerated. Algorithms developed to predict the effect of sequence changes on RNA splicing suggest that this variant may disrupt the consensus splice site. In summary, the available evidence is currently insufficient to determine the role of this variant in disease. Therefore, it has been classified as a Variant of Uncertain Significance.

NM_004329.3(BMPR1A):c.529A>C (p.Lys177Gln)

Gene: BMPR1A (bone morphogenetic protein receptor type 1A; plus strand). Cytogenetic location: 10q23.2.
Variant type: single nucleotide variant.
Coding change: c.529A>C on transcript NM_004329.3 (MANE Select); coding-DNA position 529, A replaced by C.
Protein change: p.Lys177Gln; replaces lysine 177 with glutamine.
Molecular consequence: missense variant. On other transcripts: non-coding transcript variant (3), intron variant (1).
Genome position (GRCh38, 1-based): chr10:86,900,125, A>C. VCF-style: chr10-86900125-A-C. GRCh37 (hg19) VCF-style: chr10-88659882-A-C.
Other names: c.529A>C, p.Lys177Gln (NM_001406567.1, NM_001406568.1, NM_001406569.1 and 22 more transcripts); c.445A>C, p.Lys149Gln (NM_001406586.1, NM_001406587.1, NM_001406588.1 and 2 more transcripts); c.333+7896A>C (NM_001406589.1); short protein forms K149Q, K177Q.
Identifiers: ClinVar variation 2820582 (VCV002820582.3), dbSNP rs2539496138, ClinGen allele CA377450782.